The following is an entry in ClinVar:

NM_002473.6(MYH9):c.5833G>T (p.Glu1945Ter)

Gene: MYH9 (myosin heavy chain 9; minus strand). Cytogenetic location: 22q12.3.
Variant type: single nucleotide variant.
Coding change: c.5833G>T on transcript NM_002473.6 (MANE Select); coding-DNA position 5833, G replaced by T.
Protein change: p.Glu1945Ter; replaces glutamic acid 1945 with a stop codon.
Molecular consequence: nonsense.
Genome position (GRCh38, 1-based): chr22:36,282,718, C>A on the plus strand (G>T on the coding strand, the complement: MYH9 is on the minus strand). VCF-style: chr22-36282718-C-A. GRCh37 (hg19) VCF-style: chr22-36678764-C-A.
Other names: p.Glu1945*; short protein forms E1945*.
Identifiers: ClinVar variation 4542444 (VCV004542444.1).

ClinVar aggregate classification (germline): Pathogenic (1 of 4 stars; one submission).

Submission:

Mayo Clinic Laboratories, Mayo Clinic
Classification: Pathogenic. Last evaluated: 2025-08-20. Review status: criteria provided, single submitter. Criteria: ACMG Guidelines, 2015. Collection method: clinical testing. Allele origin: germline. Observed: 1 variant allele.
Comment: PM2_supporting, PS3, PS4_moderate, PVS1_strong

Literature cited by the submitters: PubMed 12217806; PubMed 12792306; PubMed 15339844; PubMed 15869600; PubMed 22123909; PubMed 22967416; PubMed 24186861.